The following is an entry in ClinVar:

ClinVar aggregate classification (germline): Uncertain significance (1 of 4 stars; one submission).

Conditions:
Pitt-Hopkins-like syndrome 2 (PTHSL2). Identifiers: Orphanet 221150, Orphanet 600663, MedGen C3280479, MONDO:0013690, OMIM 614325.

Submission:

Labcorp Genetics (formerly Invitae), Labcorp
Classification: Uncertain significance for Pitt-Hopkins-like syndrome 2. Last evaluated: 2022-07-26. Review status: criteria provided, single submitter. Criteria: Invitae Variant Classification Sherloc (09022015). Collection method: clinical testing. Allele origin: germline.
Comment: In summary, the available evidence is currently insufficient to determine the role of this variant in disease. Therefore, it has been classified as a Variant of Uncertain Significance. This variant has not been reported in the literature in individuals affected with NRXN1-related conditions. This variant results in a copy number gain of the genomic region encompassing exon(s) 7-24 of the NRXN1 gene. This region includes the termination codon of the gene. This copy number gain extends beyond the assayed region for this gene and therefore may encompass additional genes. As the precise location of this event is unknown, it may be in tandem or it may be located elsewhere in the genome.

NC_000002.11:g.(?_48914836)_(50850773_?)dup

Genes: FSHR (follicle stimulating hormone receptor; minus strand), LHCGR (luteinizing hormone/choriogonadotropin receptor; minus strand), NRXN1 (neurexin 1; minus strand), STON1-GTF2A1L (STON1-GTF2A1L readthrough; plus strand). Cytogenetic location: 2p16.3.
Variant type: Duplication.
Identifiers: ClinVar variation 2423813 (VCV002423813.4).